The following is an entry in ClinVar:

ClinVar aggregate classification (germline): Uncertain significance (1 of 4 stars; one submission).

Allele frequency attached by ClinVar (database versions not stated): gnomAD exomes below 0.00001; TOPMed below 0.00001; gnomAD 0.00001.
gnomAD v4.1: 8 of 1,614,096 alleles (0.0005%); highest among the groups gnomAD compares: African/African-American, 0.0013%; no homozygotes.

Submission:

Labcorp Genetics (formerly Invitae), Labcorp
Classification: Uncertain significance. Last evaluated: 2022-02-03. Review status: criteria provided, single submitter. Criteria: Invitae Variant Classification Sherloc (09022015). Collection method: clinical testing. Allele origin: germline.
Comment: This sequence change replaces histidine, which is basic and polar, with tyrosine, which is neutral and polar, at codon 874 of the EXTL3 protein (p.His874Tyr). This variant is present in population databases (no rsID available, gnomAD 0.0009%). This variant has not been reported in the literature in individuals affected with EXTL3-related conditions. Algorithms developed to predict the effect of missense changes on protein structure and function are either unavailable or do not agree on the potential impact of this missense change (SIFT: "Deleterious"; PolyPhen-2: "Benign"; Align-GVGD: "Class C0"). In summary, the available evidence is currently insufficient to determine the role of this variant in disease. Therefore, it has been classified as a Variant of Uncertain Significance.

NM_001440.4(EXTL3):c.2620C>T (p.His874Tyr)

Gene: EXTL3 (exostosin like glycosyltransferase 3; plus strand). Cytogenetic location: 8p21.1.
Variant type: single nucleotide variant.
Coding change: c.2620C>T on transcript NM_001440.4 (MANE Select); coding-DNA position 2620, C replaced by T.
Protein change: p.His874Tyr; replaces histidine 874 with tyrosine.
Molecular consequence: missense variant. On other transcripts: non-coding transcript variant (1).
Genome position (GRCh38, 1-based): chr8:28,750,726, C>T. VCF-style: chr8-28750726-C-T. GRCh37 (hg19) VCF-style: chr8-28608243-C-T.
Other names: short protein forms H874Y.
Identifiers: ClinVar variation 1502002 (VCV001502002.5), dbSNP rs1320560943, ClinGen allele CA370850405.
Genomic context (GRCh38, chr8:28,750,726, plus strand): 5'-CGGTGGACATTCCGATGCCCAGGATGCCCTCAGGCCCTGTCTCATGATGACTCCCACTTC[C>T]ACGAGCGGCACAAGTGCATCAACTTCTTCGTGAAGGTGTACGGCTACATGCCCCTCCTGT-3'
Protein context (NP_001431.1, residues 864-884): QALSHDDSHF[His874Tyr]ERHKCINFFV